The following is an entry in ClinVar:

NM_004447.6(EPS8):c.1396C>T (p.His466Tyr)

Gene: EPS8 (EGFR pathway substrate 8, signaling adaptor; minus strand). Cytogenetic location: 12p12.3.
Variant type: single nucleotide variant.
Coding change: c.1396C>T on transcript NM_004447.6 (MANE Select); coding-DNA position 1396, C replaced by T.
Protein change: p.His466Tyr; replaces histidine 466 with tyrosine.
Molecular consequence: missense variant.
Genome position (GRCh38, 1-based): chr12:15,650,861, G>A on the plus strand (C>T on the coding strand, the complement: EPS8 is on the minus strand). VCF-style: chr12-15650861-G-A. GRCh37 (hg19) VCF-style: chr12-15803795-G-A.
Other names: short protein forms H466Y.
Identifiers: ClinVar variation 666828 (VCV000666828.7), dbSNP rs747454900, ClinGen allele CA6467589.

ClinVar aggregate classification (germline): Uncertain significance. Review status: criteria provided, multiple submitters, no conflicts (2 of 4 stars). 4 submissions from 4 submitters: Uncertain significance (4). Last evaluated 2025-08-21.

Conditions:
Inborn genetic diseases. Identifiers: MedGen C0950123, MeSH D030342.

Allele frequency attached by ClinVar (database versions not stated): gnomAD below 0.00001 and 0.00001; gnomAD exomes 0.00003 and 0.00006; ExAC 0.00005.
gnomAD v4.1: 52 of 1,613,814 alleles (0.0032%); highest among the groups gnomAD compares: South Asian, 0.051%; 1 homozygote.

Submissions (4):

Ambry Genetics
Classification: Uncertain significance for Inborn genetic diseases. Last evaluated: 2025-08-21. Review status: criteria provided, single submitter. Criteria: Ambry Variant Classification Scheme 2023. Collection method: clinical testing. Allele origin: germline.

GeneDx
Classification: Uncertain significance. Last evaluated: 2023-05-03. Review status: criteria provided, single submitter. Criteria: GeneDx Variant Classification Process June 2021. Collection method: clinical testing. Allele origin: germline. Affected: yes.
Comment: In silico analysis supports that this missense variant does not alter protein structure/function; Has not been previously published as pathogenic or benign to our knowledge

Blueprint Genetics
Classification: Uncertain significance. Last evaluated: 2023-02-09. Review status: criteria provided, single submitter. Criteria: ACMG Guidelines, 2015. Collection method: clinical testing. Allele origin: germline.

Laboratory for Molecular Medicine, Mass General Brigham Personalized Medicine
Classification: Uncertain significance. Last evaluated: 2018-11-28. Review status: criteria provided, single submitter. Criteria: LMM Criteria. Collection method: clinical testing. Allele origin: germline. Observed: 1 variant allele.
Comment: The p.His466Tyr variant in EPS8 has not been previously reported in individuals with hearing loss but has been identified in 0.05% (16/30602) of South Asian chr omosomes by gnomAD. Computational prediction tools and conservation analysis suggest that this variant may not impact the pro tein, though this information is not predictive enough to rule out pathogenicity . In summary, the clinical significance of this variant is uncertain. ACMG/AMP C riteria applied: PM2_Supporting, BP4.